The following is an entry in ClinVar:

NM_000426.4(LAMA2):c.4059-207G>A

Gene: LAMA2 (laminin subunit alpha 2; plus strand). Cytogenetic location: 6q22.33.
Variant type: single nucleotide variant.
Coding change: c.4059-207G>A on transcript NM_000426.4 (MANE Select); 207 bases into the intron before coding-DNA position 4059, G replaced by A.
Molecular consequence: intron variant.
Genome position (GRCh38, 1-based): chr6:129,320,331, G>A. VCF-style: chr6-129320331-G-A. GRCh37 (hg19) VCF-style: chr6-129641476-G-A.
Other names: c.4059-207G>A (NM_001079823.2).
Identifiers: ClinVar variation 670674 (VCV000670674.1), dbSNP rs74859844, ClinGen allele CA12207953.
Genomic context (GRCh38, chr6:129,320,331, plus strand): 5'-GGAAGAAGAGGAGGGATTGGTCCTGCTATCTCTGGGTAGCAGACGTGGAAGAAAATCCCC[G>A]TACAAGTGAACCCATGCAGTTCAAGCCCATATTGTTCAAGGGTCAACTTATGTACAATTA-3'

ClinVar aggregate classification (germline): Benign (1 of 4 stars; one submission).

Allele frequency attached by ClinVar (database versions not stated): gnomAD 0.09608 and 0.09738; TOPMed 0.09754; 1000 Genomes Project 0.09784; 1000 Genomes Project 30x 0.09791.
gnomAD v4.1: 14,734 of 151,962 alleles (9.7%); highest among the groups gnomAD compares: Admixed American, 15%; 813 homozygotes.

Submission:

GeneDx
Classification: Benign. Last evaluated: 2018-06-14. Review status: criteria provided, single submitter. Criteria: GeneDx Variant Classification (06012015). Collection method: clinical testing. Allele origin: germline. Affected: yes.
Comment: This variant is considered likely benign or benign based on one or more of the following criteria: it is a conservative change, it occurs at a poorly conserved position in the protein, it is predicted to be benign by multiple in silico algorithms, and/or has population frequency not consistent with disease.